The following is an entry in ClinVar:

NM_001134831.2(AHI1):c.*27C>G

Gene: AHI1 (Abelson helper integration site 1; minus strand). Cytogenetic location: 6q23.3.
Variant type: single nucleotide variant.
Coding change: c.*27C>G on transcript NM_001134831.2 (MANE Select); 27 bases downstream of the stop codon, C replaced by G.
Molecular consequence: 3 prime UTR variant.
Genome position (GRCh38, 1-based): chr6:135,285,618, G>C on the plus strand (C>G on the coding strand, the complement: AHI1 is on the minus strand). VCF-style: chr6-135285618-G-C. GRCh37 (hg19) VCF-style: chr6-135606756-G-C.
Other names: c.*27C>G (NM_001134830.2, NM_001350503.2, NM_017651.5); c.*8C>G (NM_001350504.2).
Identifiers: ClinVar variation 3058290 (VCV003058290.2), dbSNP rs1421944327, ClinGen allele CA2740091492.

ClinVar aggregate classification (germline): Likely benign (0 of 4 stars; one submission).

Conditions:
AHI1-related disorder. Also called: AHI1-related condition.

Submission:

PreventionGenetics, part of Exact Sciences
Classification: Likely benign for AHI1-related condition. Last evaluated: 2019-03-18. Review status: no assertion criteria provided. Collection method: clinical testing. Allele origin: germline.
Comment: This variant is classified as likely benign based on ACMG/AMP sequence variant interpretation guidelines (Richards et al. 2015 PMID: 25741868, with internal and published modifications).